The following is an entry in ClinVar:

ClinVar aggregate classification (germline): Uncertain significance (1 of 4 stars; one submission).

Conditions:
Developmental and epileptic encephalopathy, 12 (DEE12). Identifiers: MedGen C3150988, MONDO:0013389, OMIM 613722.

Allele frequency attached by ClinVar (database versions not stated): ExAC below 0.00001; TOPMed below 0.00001; gnomAD 0.00001; gnomAD exomes 0.00004.

Submission:

Labcorp Genetics (formerly Invitae), Labcorp
Classification: Uncertain significance for Developmental and epileptic encephalopathy, 12. Last evaluated: 2021-11-11. Review status: criteria provided, single submitter. Criteria: Invitae Variant Classification Sherloc (09022015). Collection method: clinical testing. Allele origin: germline.
Comment: This sequence change replaces arginine, which is basic and polar, with histidine, which is basic and polar, at codon 431 of the PNKP protein (p.Arg431His). This variant is present in population databases (no rsID available, gnomAD 0.01%). This variant has not been reported in the literature in individuals affected with PNKP-related conditions. ClinVar contains an entry for this variant (Variation ID: 570012). Algorithms developed to predict the effect of missense changes on protein structure and function are either unavailable or do not agree on the potential impact of this missense change (SIFT: "Deleterious"; PolyPhen-2: "Probably Damaging"; Align-GVGD: "Class C0"). In summary, the available evidence is currently insufficient to determine the role of this variant in disease. Therefore, it has been classified as a Variant of Uncertain Significance.

NM_007254.4(PNKP):c.1292G>A (p.Arg431His)

Gene: PNKP (polynucleotide kinase 3'-phosphatase; minus strand). Cytogenetic location: 19q13.33.
Variant type: single nucleotide variant.
Coding change: c.1292G>A on transcript NM_007254.4 (MANE Select); coding-DNA position 1292, G replaced by A.
Protein change: p.Arg431His; replaces arginine 431 with histidine.
Molecular consequence: missense variant.
Genome position (GRCh38, 1-based): chr19:49,861,778, C>T on the plus strand (G>A on the coding strand, the complement: PNKP is on the minus strand). VCF-style: chr19-49861778-C-T. GRCh37 (hg19) VCF-style: chr19-50365035-C-T.
Other names: short protein forms R431H.
Identifiers: ClinVar variation 570012 (VCV000570012.4), dbSNP rs950502049, ClinGen allele CA9586484.